The following is an entry in ClinVar:

NM_006031.6(PCNT):c.7956T>C (p.Leu2652=)

Gene: PCNT (pericentrin; plus strand). Cytogenetic location: 21q22.3.
Variant type: single nucleotide variant.
Coding change: c.7956T>C on transcript NM_006031.6 (MANE Select); coding-DNA position 7956, T replaced by C.
Protein change: p.Leu2652=; no amino-acid change (leucine 2652 retained).
Molecular consequence: synonymous variant.
Genome position (GRCh38, 1-based): chr21:46,430,549, T>C. VCF-style: chr21-46430549-T-C. GRCh37 (hg19) VCF-style: chr21-47850463-T-C.
Other names: c.7602T>C, p.Leu2534= (NM_001315529.2).
Identifiers: ClinVar variation 3257447 (VCV003257447.17).

ClinVar aggregate classification (germline): Likely benign (1 of 4 stars; one submission).

Submission:

CeGaT Center for Human Genetics Tuebingen
Classification: Likely benign. Last evaluated: 2024-07-01. Review status: criteria provided, single submitter. Criteria: CeGaT Center For Human Genetics Tuebingen Variant Classification Criteria Version 2. Collection method: clinical testing. Allele origin: germline. Affected: yes. Observed: 1 variant allele.
Comment: PCNT: PM2:Supporting, BP4, BP7